The following is an entry in ClinVar:

NM_032447.5(FBN3):c.556C>G (p.Pro186Ala)

Gene: FBN3 (fibrillin 3; minus strand). Cytogenetic location: 19p13.2.
Variant type: single nucleotide variant.
Coding change: c.556C>G on transcript NM_032447.5 (MANE Select); coding-DNA position 556, C replaced by G.
Protein change: p.Pro186Ala; replaces proline 186 with alanine.
Molecular consequence: missense variant.
Genome position (GRCh38, 1-based): chr19:8,142,123, G>C on the plus strand (C>G on the coding strand, the complement: FBN3 is on the minus strand). VCF-style: chr19-8142123-G-C. GRCh37 (hg19) VCF-style: chr19-8207007-G-C.
Other names: c.556C>G, p.Pro186Ala (NM_001321431.2); short protein forms P186A.
Identifiers: ClinVar variation 3706768 (VCV003706768.2).

ClinVar aggregate classification (germline): Uncertain significance (1 of 4 stars; one submission).

gnomAD v4.1: 13 of 1,609,782 alleles (0.00081%); highest among the groups gnomAD compares: Middle Eastern, 0.18%; no homozygotes.

Submission:

Labcorp Genetics (formerly Invitae), Labcorp
Classification: Uncertain significance. Last evaluated: 2024-09-04. Review status: criteria provided, single submitter. Criteria: Invitae Variant Classification Sherloc (09022015). Collection method: clinical testing. Allele origin: germline.
Comment: This sequence change replaces proline, which is neutral and non-polar, with alanine, which is neutral and non-polar, at codon 186 of the FBN3 protein (p.Pro186Ala). This variant is present in population databases (rs747593337, gnomAD 0.003%). This variant has not been reported in the literature in individuals affected with FBN3-related conditions. An algorithm developed to predict the effect of missense changes on protein structure and function (PolyPhen-2) suggests that this variant is likely to be disruptive. In summary, the available evidence is currently insufficient to determine the role of this variant in disease. Therefore, it has been classified as a Variant of Uncertain Significance.